The following is an entry in ClinVar:

ClinVar aggregate classification (germline): Conflicting classifications of pathogenicity. Review status: criteria provided, conflicting classifications (1 of 4 stars). 5 submissions from 5 submitters: Uncertain significance (1); Benign (1); Likely benign (3). Last evaluated 2025-08-18.

Conditions:
Inborn genetic diseases. Identifiers: MedGen C0950123, MeSH D030342.
Cornelia de Lange syndrome 4 (CDLS4). Also called: RAD21-Related Cornelia de Lange Syndrome; CORNELIA DE LANGE SYNDROME 4 WITH OR WITHOUT MIDLINE BRAIN DEFECTS. Identifiers: Orphanet 199, MedGen C3553517, MONDO:0013864, OMIM 614701.

Allele frequency attached by ClinVar (database versions not stated): gnomAD exomes 0.00003 and 0.00008; ExAC 0.00007; 1000 Genomes Project 30x 0.00016; 1000 Genomes Project 0.00020; gnomAD 0.00040 and 0.00042; TOPMed 0.00042; ESP Exome Variant Server 0.00054.
gnomAD v4.1: 95 of 1,609,300 alleles (0.0059%); highest among the groups gnomAD compares: African/African-American, 0.12%; no homozygotes.

Submissions (5):

Labcorp Genetics (formerly Invitae), Labcorp
Classification: Benign for Cornelia de Lange syndrome 4. Last evaluated: 2025-08-18. Review status: criteria provided, single submitter. Criteria: Invitae Variant Classification Sherloc (09022015). Collection method: clinical testing. Allele origin: germline.

CeGaT Center for Human Genetics Tuebingen
Classification: Likely benign. Last evaluated: 2025-07-01. Review status: criteria provided, single submitter. Criteria: CeGaT Center For Human Genetics Tuebingen Variant Classification Criteria Version 2. Collection method: clinical testing. Allele origin: germline. Affected: yes. Observed: 1 variant allele.
Comment: RAD21: BP4, BP7

Blueprint Genetics
Classification: Likely benign. Last evaluated: 2024-09-18. Review status: criteria provided, single submitter. Criteria: ACMG Guidelines, 2015. Collection method: clinical testing. Allele origin: germline.

Ambry Genetics
Classification: Likely benign for Inborn genetic diseases. Last evaluated: 2018-02-28. Review status: criteria provided, single submitter. Criteria: Ambry Variant Classification Scheme 2023. Collection method: clinical testing. Allele origin: germline.

Genetic Services Laboratory, University of Chicago
Classification: Uncertain significance for Cornelia de Lange syndrome 4. Last evaluated: 2013-03-26. Review status: criteria provided, single submitter. Criteria: ACMG Guidelines, 2007. Collection method: clinical testing. Allele origin: germline. Inheritance: Autosomal dominant inheritance.

NM_006265.3(RAD21):c.1617A>G (p.Glu539=)

Gene: RAD21 (RAD21 cohesin complex component; minus strand). Cytogenetic location: 8q24.11.
Variant type: single nucleotide variant.
Coding change: c.1617A>G on transcript NM_006265.3 (MANE Select); coding-DNA position 1617, A replaced by G.
Protein change: p.Glu539=; no amino-acid change (glutamic acid 539 retained).
Molecular consequence: synonymous variant.
Genome position (GRCh38, 1-based): chr8:116,850,621, T>C on the plus strand (A>G on the coding strand, the complement: RAD21 is on the minus strand). VCF-style: chr8-116850621-T-C. GRCh37 (hg19) VCF-style: chr8-117862860-T-C.
Identifiers: ClinVar variation 159806 (VCV000159806.21), dbSNP rs138040512, ClinGen allele CA272461.
Genomic context (GRCh38, chr8:116,850,621, plus strand): 5'-ATAAAGCTGGTTGGAGGTTTTTGCTAAATCTGGAATGAAAATTATTAATTAGTTTACCTC[T>C]TCCTCTTCATCATCTTCTTTTTCCTTCTCTTTCTCCTTCTCTTTTTCTGGCAGAAGTTCT-3'
Protein context (NP_006256.1, residues 529-549): KEKEKEDDEE[Glu539=]EDEDASGGDQ